The following is an entry in ClinVar:

ClinVar aggregate classification (germline): Uncertain significance (1 of 4 stars; one submission).

gnomAD v4.1: 1 of 1,614,184 alleles (0.000062%); highest among the groups gnomAD compares: Admixed American, 0.0017%; no homozygotes.

Submission:

GeneDx
Classification: Uncertain significance. Last evaluated: 2025-03-12. Review status: criteria provided, single submitter. Criteria: GeneDx Variant Classification Process June 2021. Collection method: clinical testing. Allele origin: germline. Affected: yes.
Comment: Not observed at significant frequency in large population cohorts (gnomAD); In silico analysis supports that this missense variant has a deleterious effect on protein structure/function; Has not been previously published as pathogenic or benign to our knowledge

NM_153676.4(USH1C):c.2494T>G (p.Trp832Gly)

Gene: USH1C (USH1 protein network component harmonin; minus strand). Cytogenetic location: 11p15.1.
Variant type: single nucleotide variant.
Coding change: c.2494T>G on transcript NM_153676.4 (MANE Select); coding-DNA position 2494, T replaced by G.
Protein change: p.Trp832Gly; replaces tryptophan 832 with glycine.
Molecular consequence: missense variant. On other transcripts: non-coding transcript variant (1), intron variant (1).
Genome position (GRCh38, 1-based): chr11:17,496,810, A>C on the plus strand (T>G on the coding strand, the complement: USH1C is on the minus strand). VCF-style: chr11-17496810-A-C. GRCh37 (hg19) VCF-style: chr11-17518357-A-C.
Other names: c.1537T>G, p.Trp513Gly (NM_001297764.2); c.1780T>G, p.Trp594Gly (NM_001440679.1); c.1747T>G, p.Trp583Gly (NM_001440680.1); c.1723T>G, p.Trp575Gly (NM_001440681.1); c.1690T>G, p.Trp564Gly (NM_001440682.1); c.1645T>G, p.Trp549Gly (NM_001440683.1); c.1627T>G, p.Trp543Gly (NM_001440684.1); c.1570T>G, p.Trp524Gly (NM_001440686.1); and 3 more; short protein forms W442G, W513G, W524G, W532G, W543G, W549G, W564G, W575G.
Identifiers: ClinVar variation 4083380 (VCV004083380.1).
Genomic context (GRCh38, chr11:17,496,810, plus strand): 5'-ACACTTACAGCTCATCGTCATACTCCTTTGGGGGGCAGACGGCAACCACAAGGTCGATCC[A>C]GTCCTGTGGGGAGAAGCCGTGTGACTCTGGGGCACACTCAGTTGGATGGTGCATCTGCCC-3'
Protein context (NP_710142.1, residues 822-842): LQKAWNQGGD[Trp832Gly]IDLVVAVCPP